The following is an entry in ClinVar:

ClinVar aggregate classification (germline): Pathogenic (1 of 4 stars; one submission).

Conditions:
KAT6A-related disorder. Also called: KAT6A-related condition.

Submission:

PreventionGenetics, part of Exact Sciences
Classification: Pathogenic for KAT6A-related condition. Last evaluated: 2023-09-28. Review status: criteria provided, single submitter. Criteria: ACMG Guidelines, 2015. Collection method: clinical testing. Allele origin: germline.
Comment: The KAT6A c.3483_3484delCC variant is predicted to result in a frameshift and premature protein termination (p.His1162Leufs*12). To our knowledge, this variant has not been reported in the literature or in a large population database, indicating this variant is rare. Frameshift variants in KAT6A are expected to be pathogenic. Therefore we interpret this variant as pathogenic.

NM_006766.5(KAT6A):c.3483_3484del (p.His1162fs)

Gene: KAT6A (lysine acetyltransferase 6A; minus strand). Cytogenetic location: 8p11.21.
Variant type: Deletion.
Coding change: c.3483_3484del on transcript NM_006766.5 (MANE Select); coding-DNA positions 3483 to 3484, 2 bases deleted (CC; older notation c.3483_3484delCC).
Protein change: p.His1162fs; shifts the reading frame from histidine 1162.
Molecular consequence: frameshift variant.
Genome position (GRCh38, 1-based): chr8:41,934,736-41,934,737, GG deleted on the plus strand (CC on the coding strand, the reverse complement: KAT6A is on the minus strand). VCF-style (leftmost placement, unchanged base first): chr8-41934735-TGG-T. GRCh37 (hg19) VCF-style: chr8-41792253-TGG-T.
Other names: short protein forms H1162fs.
Identifiers: ClinVar variation 2631071 (VCV002631071.1), dbSNP rs2486758472, ClinGen allele CA2695199679.